The following is an entry in ClinVar:

ClinVar aggregate classification (germline): Uncertain significance. Review status: criteria provided, multiple submitters, no conflicts (2 of 4 stars). 2 submissions from 2 submitters: Uncertain significance (2). Last evaluated 2026-01-01.

Conditions:
Inborn genetic diseases. Identifiers: MedGen C0950123, MeSH D030342.

Allele frequency attached by ClinVar (database versions not stated): TOPMed 0.00001; gnomAD 0.00002; 1000 Genomes Project 30x 0.00016; 1000 Genomes Project 0.00020.
gnomAD v4.1: 66 of 1,614,054 alleles (0.0041%); highest among the groups gnomAD compares: South Asian, 0.068%; no homozygotes.

Submissions (2):

Labcorp Genetics (formerly Invitae), Labcorp
Classification: Uncertain significance. Last evaluated: 2026-01-01. Review status: criteria provided, single submitter. Criteria: Invitae Variant Classification Sherloc (09022015). Collection method: clinical testing. Allele origin: germline.
Comment: This sequence change replaces asparagine, which is neutral and polar, with serine, which is neutral and polar, at codon 398 of the TTC37 protein (p.Asn398Ser). This variant is present in population databases (rs573461690, gnomAD 0.07%). This variant has not been reported in the literature in individuals affected with TTC37-related conditions. ClinVar contains an entry for this variant (Variation ID: 2056008). An algorithm developed to predict the effect of missense changes on protein structure and function (PolyPhen-2) suggests that this variant is likely to be tolerated. In summary, the available evidence is currently insufficient to determine the role of this variant in disease. Therefore, it has been classified as a Variant of Uncertain Significance.

Ambry Genetics
Classification: Uncertain significance for Inborn genetic diseases. Last evaluated: 2025-06-06. Review status: criteria provided, single submitter. Criteria: Ambry Variant Classification Scheme 2023. Collection method: clinical testing. Allele origin: germline.

NM_014639.4(SKIC3):c.1193A>G (p.Asn398Ser)

Gene: SKIC3 (SKI3 subunit of superkiller complex; minus strand). Cytogenetic location: 5q15.
Variant type: single nucleotide variant.
Coding change: c.1193A>G on transcript NM_014639.4 (MANE Select); coding-DNA position 1193, A replaced by G.
Protein change: p.Asn398Ser; replaces asparagine 398 with serine.
Molecular consequence: missense variant.
Genome position (GRCh38, 1-based): chr5:95,525,615, T>C on the plus strand (A>G on the coding strand, the complement: SKIC3 is on the minus strand). VCF-style: chr5-95525615-T-C. GRCh37 (hg19) VCF-style: chr5-94861319-T-C.
Other names: short protein forms N398S.
Identifiers: ClinVar variation 2056008 (VCV002056008.3), dbSNP rs573461690, ClinGen allele CA3347397.
Genomic context (GRCh38, chr5:95,525,615, plus strand): 5'-AAAAAATGCTCAGTTTGAATAAAAAAGCCAACCTTTGCAGCTTCATCAAATGAACCTTTG[T>C]TCCGATAGGCCAAGCTTTTGAGAACCAAAAGTCCTGGGATATTATCTGCATCAGAAATCT-3'
Protein context (NP_055454.1, residues 388-408): LLVLKSLAYR[Asn398Ser]KGSFDEAAKI